The following is an entry in ClinVar:

ClinVar aggregate classification (germline): Uncertain significance (1 of 4 stars; one submission).

Conditions:
Developmental and epileptic encephalopathy. Identifiers: MedGen C5779964, MONDO:0100620.

Submission:

Labcorp Genetics (formerly Invitae), Labcorp
Classification: Uncertain significance for Early-infantile DEE. Last evaluated: 2023-03-04. Review status: criteria provided, single submitter. Criteria: Invitae Variant Classification Sherloc (09022015). Collection method: clinical testing. Allele origin: unknown.
Comment: In summary, the available evidence is currently insufficient to determine the role of this variant in disease. Therefore, it has been classified as a Variant of Uncertain Significance. This variant has not been reported in the literature in individuals affected with ARHGEF15-related conditions. A gross deletion of the genomic region encompassing the full coding sequence of the ARHGEF15 gene has been identified. The current clinical and genetic evidence is not sufficient to establish whether loss-of-function variants in ARHGEF15 cause disease. The boundaries of this event are unknown as they extend beyond the assayed region for this gene and therefore may encompass additional genes.

NC_000017.10:g.(?_8215358)_(8224311_?)del

Gene: ARHGEF15 (Rho guanine nucleotide exchange factor 15; plus strand). Cytogenetic location: 17p13.1.
Variant type: Deletion.
Identifiers: ClinVar variation 3242972 (VCV003242972.1).